The following is an entry in ClinVar:

NM_007078.3(LDB3):c.293C>T (p.Thr98Ile)

Gene: LDB3 (LIM domain binding 3; plus strand). Cytogenetic location: 10q23.2.
Variant type: single nucleotide variant.
Coding change: c.293C>T on transcript NM_007078.3 (MANE Select); coding-DNA position 293, C replaced by T.
Protein change: p.Thr98Ile; replaces threonine 98 with isoleucine.
Molecular consequence: missense variant.
Genome position (GRCh38, 1-based): chr10:86,680,129, C>T. VCF-style: chr10-86680129-C-T. GRCh37 (hg19) VCF-style: chr10-88439886-C-T.
Other names: c.293C>T, p.Thr98Ile (NM_001080114.2, NM_001080115.2, NM_001080116.1 and 8 more transcripts); short protein forms T98I.
Identifiers: ClinVar variation 807921 (VCV000807921.43), dbSNP rs1589619284, ClinGen allele CA377452332.
Genomic context (GRCh38, chr10:86,680,129, plus strand): 5'-CTGGTTTCTACAGATCAAAGCGTCCCATTCCCATCTCCACGACAGCACCTCCAGTCCAGA[C>T]CCCTCTGCCGGTGATCCCTCACCAGAAGGTAGGTGCTGACTGTGGCGGCGGGGTCCACTC-3'
Protein context (NP_009009.1, residues 88-108): PISTTAPPVQ[Thr98Ile]PLPVIPHQKD

ClinVar aggregate classification (germline): Uncertain significance. Review status: criteria provided, multiple submitters, no conflicts (2 of 4 stars). 2 submissions from 2 submitters: Uncertain significance (2). Last evaluated 2025-08-31.

Conditions:
Myofibrillar myopathy 4. Also called: Zaspopathy (type). Identifiers: Orphanet 98912, MedGen C4721886, MONDO:0012277, OMIM 609452.

Allele frequency attached by ClinVar (database versions not stated): gnomAD exomes below 0.00001.

Submissions (2):

Labcorp Genetics (formerly Invitae), Labcorp
Classification: Uncertain significance for Myofibrillar myopathy 4. Last evaluated: 2025-08-31. Review status: criteria provided, single submitter. Criteria: Invitae Variant Classification Sherloc (09022015). Collection method: clinical testing. Allele origin: germline.
Comment: This sequence change replaces threonine, which is neutral and polar, with isoleucine, which is neutral and non-polar, at codon 98 of the LDB3 protein (p.Thr98Ile). This variant is not present in population databases (gnomAD no frequency). This variant has not been reported in the literature in individuals affected with LDB3-related conditions. ClinVar contains an entry for this variant (Variation ID: 807921). An algorithm developed to predict the effect of missense changes on protein structure and function (PolyPhen-2) suggests that this variant is likely to be tolerated. In summary, the available evidence is currently insufficient to determine the role of this variant in disease. Therefore, it has been classified as a Variant of Uncertain Significance.

CeGaT Center for Human Genetics Tuebingen
Classification: Uncertain significance. Last evaluated: 2019-01-01. Review status: criteria provided, single submitter. Criteria: CeGaT Center For Human Genetics Tuebingen Variant Classification Criteria Version 2. Collection method: clinical testing. Allele origin: germline. Affected: yes. Observed: 1 variant allele.